The following is an entry in ClinVar:

NM_018486.3(HDAC8):c.291G>A (p.Gly97=)

Gene: HDAC8 (histone deacetylase 8; minus strand). Cytogenetic location: Xq13.1.
Variant type: single nucleotide variant.
Coding change: c.291G>A on transcript NM_018486.3 (MANE Select); coding-DNA position 291, G replaced by A.
Protein change: p.Gly97=; no amino-acid change (glycine 97 retained).
Molecular consequence: synonymous variant. On other transcripts: non-coding transcript variant (1), intron variant (3).
Genome position (GRCh38, 1-based): chrX:72,568,758, C>T on the plus strand (G>A on the coding strand, the complement: HDAC8 is on the minus strand). VCF-style: chrX-72568758-C-T. GRCh37 (hg19) VCF-style: chrX-71788608-C-T.
Other names: c.291G>A, p.Gly97= (NM_001166419.2, NM_001166420.2, NM_001166422.2 and 4 more transcripts); c.164+3299G>A (NM_001166418.2, NM_001410728.1, NM_001166448.2).
Identifiers: ClinVar variation 2718855 (VCV002718855.3), dbSNP rs2522178224, ClinGen allele CA516748600.
Genomic context (GRCh38, chrX:72,568,758, plus strand): 5'-AGTTATAAAAAAAATTAGTCTGTCCATCTCCCATCACTGCCTGGTAATGACTTTACCTAG[C>T]CCATATTCTATGGAGTCCGGATGATCATCATCGCCCTCTTGGCTGACCTTCTGGAGATGC-3'
Protein context (NP_060956.1, residues 87-107): DDDHPDSIEY[Gly97=]LGYDCPATEG

ClinVar aggregate classification (germline): Uncertain significance (1 of 4 stars; one submission).

Conditions:
Cornelia de Lange syndrome 5 (CDLS5). Also called: HDAC8-Related Cornelia de Lange Syndrome. Identifiers: Orphanet 199, MedGen C3550903, MONDO:0010471, OMIM 300882.

Submission:

Labcorp Genetics (formerly Invitae), Labcorp
Classification: Uncertain significance for Cornelia de Lange syndrome 5. Last evaluated: 2023-06-20. Review status: criteria provided, single submitter. Criteria: Invitae Variant Classification Sherloc (09022015). Collection method: clinical testing. Allele origin: germline.
Comment: This sequence change affects codon 97 of the HDAC8 mRNA. It is a 'silent' change, meaning that it does not change the encoded amino acid sequence of the HDAC8 protein. This variant is not present in population databases (gnomAD no frequency). This variant has not been reported in the literature in individuals affected with HDAC8-related conditions. Algorithms developed to predict the effect of sequence changes on RNA splicing suggest that this variant may disrupt the consensus splice site. In summary, the available evidence is currently insufficient to determine the role of this variant in disease. Therefore, it has been classified as a Variant of Uncertain Significance.